The following is an entry in ClinVar:

NM_004341.5(CAD):c.6329G>A (p.Arg2110His)

Genes: CAD (carbamoyl-phosphate synthetase 2, aspartate transcarbamylase, and dihydroorotase; plus strand), LOC126806172 (CDK7 strongly-dependent group 2 enhancer GRCh37_chr2:27465505-27466704; plus strand). Cytogenetic location: 2p23.3.
Variant type: single nucleotide variant.
Coding change: c.6329G>A on transcript NM_004341.5 (MANE Select); coding-DNA position 6329, G replaced by A.
Protein change: p.Arg2110His; replaces arginine 2110 with histidine.
Molecular consequence: missense variant.
Genome position (GRCh38, 1-based): chr2:27,242,726, G>A. VCF-style: chr2-27242726-G-A. GRCh37 (hg19) VCF-style: chr2-27465594-G-A.
Other names: c.6140G>A, p.Arg2047His (NM_001306079.2); c.6329G>A (NM_004341.3); short protein forms R2110H, R2047H.
Identifiers: ClinVar variation 1418490 (VCV001418490.8), dbSNP rs759380014, ClinGen allele CA1574170.

ClinVar aggregate classification (germline): Uncertain significance. Review status: criteria provided, multiple submitters, no conflicts (2 of 4 stars). 4 submissions from 4 submitters: Uncertain significance (4). Last evaluated 2026-02-12.

Conditions:
Inborn genetic diseases. Identifiers: MedGen C0950123, MeSH D030342.

Allele frequency attached by ClinVar (database versions not stated): gnomAD 0.00002; TOPMed 0.00004; ExAC 0.00001.
gnomAD v4.1: 22 of 1,614,058 alleles (0.0014%); highest among the groups gnomAD compares: Middle Eastern, 0.016%; no homozygotes.

Submissions (4):

GeneDx
Classification: Uncertain significance. Last evaluated: 2026-02-12. Review status: criteria provided, single submitter. Criteria: GeneDx Variant Classification Process June 2021. Collection method: clinical testing. Allele origin: germline.
Comment: Not observed at significant frequency in large population cohorts (gnomAD); In silico analysis suggests that this missense variant does not alter protein structure/function; Has not been previously published as pathogenic or benign to our knowledge

Ambry Genetics
Classification: Uncertain significance for Inborn genetic diseases. Last evaluated: 2025-11-08. Review status: criteria provided, single submitter. Criteria: Ambry Variant Classification Scheme 2023. Collection method: clinical testing. Allele origin: germline.

Blueprint Genetics
Classification: Uncertain significance. Last evaluated: 2024-11-21. Review status: criteria provided, single submitter. Criteria: ACMG Guidelines, 2015. Collection method: clinical testing. Allele origin: germline.

Labcorp Genetics (formerly Invitae), Labcorp
Classification: Uncertain significance. Last evaluated: 2022-08-20. Review status: criteria provided, single submitter. Criteria: Invitae Variant Classification Sherloc (09022015). Collection method: clinical testing. Allele origin: germline.
Comment: This sequence change replaces arginine, which is basic and polar, with histidine, which is basic and polar, at codon 2110 of the CAD protein (p.Arg2110His). This variant is present in population databases (rs759380014, gnomAD 0.003%). This variant has not been reported in the literature in individuals affected with CAD-related conditions. ClinVar contains an entry for this variant (Variation ID: 1418490). Algorithms developed to predict the effect of missense changes on protein structure and function output the following: SIFT: "Tolerated"; PolyPhen-2: "Benign"; Align-GVGD: "Class C0". The histidine amino acid residue is found in multiple mammalian species, which suggests that this missense change does not adversely affect protein function. In summary, the available evidence is currently insufficient to determine the role of this variant in disease. Therefore, it has been classified as a Variant of Uncertain Significance.